The following is an entry in ClinVar:

NM_001035.3(RYR2):c.13608A>C (p.Arg4536Ser)

Gene: RYR2 (ryanodine receptor 2; plus strand). Cytogenetic location: 1q43.
Variant type: single nucleotide variant.
Coding change: c.13608A>C on transcript NM_001035.3 (MANE Select); coding-DNA position 13608, A replaced by C.
Protein change: p.Arg4536Ser; replaces arginine 4536 with serine.
Molecular consequence: missense variant.
Genome position (GRCh38, 1-based): chr1:237,792,149, A>C. VCF-style: chr1-237792149-A-C. GRCh37 (hg19) VCF-style: chr1-237955449-A-C.
Other names: short protein forms R4536S.
Identifiers: ClinVar variation 1318836 (VCV001318836.2), dbSNP rs2149381239, ClinGen allele CA345417342.

ClinVar aggregate classification (germline): Uncertain significance (1 of 4 stars; one submission).

Submission:

GeneDx
Classification: Uncertain significance. Last evaluated: 2020-01-23. Review status: criteria provided, single submitter. Criteria: GeneDx Variant Classification Process June 2021. Collection method: clinical testing. Allele origin: germline. Affected: yes.
Comment: Has not been previously published as pathogenic or benign to our knowledge; Not observed in large population cohorts (Lek et al., 2016); In silico analysis, which includes protein predictors and evolutionary conservation, supports that this variant does not alter protein structure/function; Located in one of the three hot-spot regions of the RYR2 gene, where the majority of pathogenic missense variants occur (Medeiros-Domingo et al., 2009)